The following is an entry in ClinVar:

NM_003126.4(SPTA1):c.441C>T (p.Thr147=)

Gene: SPTA1 (spectrin alpha, erythrocytic 1; minus strand). Cytogenetic location: 1q23.1.
Variant type: single nucleotide variant.
Coding change: c.441C>T on transcript NM_003126.4 (MANE Select); coding-DNA position 441, C replaced by T.
Protein change: p.Thr147=; no amino-acid change (threonine 147 retained).
Molecular consequence: synonymous variant.
Genome position (GRCh38, 1-based): chr1:158,681,617, G>A on the plus strand (C>T on the coding strand, the complement: SPTA1 is on the minus strand). VCF-style: chr1-158681617-G-A. GRCh37 (hg19) VCF-style: chr1-158651407-G-A.
Other names: p.Thr147=.
Identifiers: ClinVar variation 293054 (VCV000293054.27), dbSNP rs73020287, ClinGen allele CA1184138.
Genomic context (GRCh38, chr1:158,681,617, plus strand): 5'-ACACTCCTGTACATACTGCTGGAACTTCAGGGCCCGCAGCAACTGGTCACCCTTCTCCAG[G>A]GTCAGCTCTAACAGCAGGTCCCACAGGTGGCGTAGCTCCTCTATATGGGCCTTTAGGAAA-3'
Protein context (NP_003117.2, residues 137-157): RHLWDLLLEL[Thr147=]LEKGDQLLRA

ClinVar aggregate classification (germline): Benign/Likely benign. Review status: criteria provided, multiple submitters, no conflicts (2 of 4 stars). 9 submissions from 7 submitters: Benign (2); Likely benign (7). Last evaluated 2025-12-24.

Conditions:
Pyropoikilocytosis, hereditary. Also called: Pyropoikilocytosis. Identifiers: MedGen C0520739, MONDO:0009948, OMIM 266140, HP:0004839. Disease mechanism: loss of function.
Elliptocytosis 2 (EL2). Also called: ELLIPTOCYTOSIS, RHESUS-UNLINKED TYPE. Identifiers: Orphanet 288, MedGen C1851741, MONDO:0007533, OMIM 130600.
Hereditary spherocytosis type 3. Also called: Spherocytosis type 3; SPTA1-Related Spherocytosis. Identifiers: Orphanet 822, MedGen C2678338, MONDO:0010053, OMIM 270970.

Allele frequency attached by ClinVar (database versions not stated): gnomAD exomes 0.00159; ExAC 0.00187; 1000 Genomes Project 0.00619; gnomAD 0.00629 and 0.00683; 1000 Genomes Project 30x 0.00671; TOPMed 0.00673; ESP Exome Variant Server 0.00713.
gnomAD v4.1: 1,967 of 1,613,668 alleles (0.12%); highest among the groups gnomAD compares: African/African-American, 2.1%; 18 homozygotes.

Submissions (9):

Labcorp Genetics (formerly Invitae), Labcorp
Classification: Benign. Last evaluated: 2025-12-24. Review status: criteria provided, single submitter. Criteria: Invitae Variant Classification Sherloc (09022015). Collection method: clinical testing. Allele origin: germline.

Mayo Clinic Laboratories, Mayo Clinic
Classification: Likely benign. Last evaluated: 2025-08-12. Review status: criteria provided, single submitter. Criteria: ACMG Guidelines, 2015. Collection method: clinical testing. Allele origin: germline. Observed: 32 variant alleles.
Comment: BS1, BS2

ARUP Laboratories, Molecular Genetics and Genomics, ARUP Laboratories
Classification: Benign. Last evaluated: 2025-05-09. Review status: criteria provided, single submitter. Criteria: ARUP Molecular Germline Variant Investigation Process 2024. Collection method: clinical testing. Allele origin: germline.

Blueprint Genetics
Classification: Likely benign. Last evaluated: 2024-11-07. Review status: criteria provided, single submitter. Criteria: ACMG Guidelines, 2015. Collection method: clinical testing. Allele origin: germline.

Fulgent Genetics
Classification: Likely benign for Elliptocytosis 2; Pyropoikilocytosis, hereditary; Hereditary spherocytosis type 3. Last evaluated: 2022-05-11. Review status: criteria provided, single submitter. Criteria: ACMG Guidelines, 2015. Collection method: clinical testing. Allele origin: unknown.

Illumina Laboratory Services, Illumina
Classification: Likely benign for Elliptocytosis 2. Last evaluated: 2017-04-27. Review status: criteria provided, single submitter. Criteria: ICSL Variant Classification Criteria 13 December 2019. Collection method: clinical testing. Allele origin: germline.
Comment: This variant was observed as part of a predisposition screen in an ostensibly healthy population. A literature search was performed for the gene, cDNA change, and amino acid change (where applicable). No publications were found based on this search. Allele frequency data from public databases allowed determination this variant is unlikely to cause disease. Therefore, this variant is classified as likely benign.

Illumina Laboratory Services, Illumina
Classification: Likely benign for Pyropoikilocytosis, hereditary. Last evaluated: 2017-04-27. Review status: criteria provided, single submitter. Criteria: ICSL Variant Classification Criteria 13 December 2019. Collection method: clinical testing. Allele origin: germline.
Comment: the same text as in the submission from Illumina Laboratory Services, Illumina above.

Illumina Laboratory Services, Illumina
Classification: Likely benign for Hereditary spherocytosis type 3. Last evaluated: 2017-04-27. Review status: criteria provided, single submitter. Criteria: ICSL Variant Classification Criteria 13 December 2019. Collection method: clinical testing. Allele origin: germline.
Comment: the same text as in the submission from Illumina Laboratory Services, Illumina above.

Breakthrough Genomics
Classification: Likely benign. Review status: criteria provided, single submitter. Criteria: ACMG Guidelines, 2015. Collection method: not provided. Allele origin: germline. Inheritance: Autosomal recessive inheritance. Affected: yes.